The following is an entry in ClinVar:

NM_006939.4(SOS2):c.858+93G>A

Gene: SOS2 (SOS Ras/Rho guanine nucleotide exchange factor 2; minus strand). Cytogenetic location: 14q21.3.
Variant type: single nucleotide variant.
Coding change: c.858+93G>A on transcript NM_006939.4 (MANE Select); 93 bases into the intron after coding-DNA position 858, G replaced by A.
Molecular consequence: intron variant.
Genome position (GRCh38, 1-based): chr14:50,182,370, C>T on the plus strand (G>A on the coding strand, the complement: SOS2 is on the minus strand). VCF-style: chr14-50182370-C-T. GRCh37 (hg19) VCF-style: chr14-50649088-C-T.
Identifiers: ClinVar variation 561595 (VCV000561595.2), dbSNP rs2024811, ClinGen allele CA15826847.

ClinVar aggregate classification (germline): Benign. Review status: criteria provided, multiple submitters, no conflicts (2 of 4 stars). 2 submissions from 2 submitters: Benign (2). Last evaluated 2018-06-14.

Allele frequency attached by ClinVar (database versions not stated): gnomAD exomes 0.21074; gnomAD 0.26640 and 0.26683; TOPMed 0.26983; 1000 Genomes Project 0.32887; 1000 Genomes Project 30x 0.32995.
gnomAD v4.1: 240,504 of 1,099,808 alleles (22%); highest among the groups gnomAD compares: East Asian, 48%; 29,728 homozygotes.

Submissions (2):

GeneDx
Classification: Benign. Last evaluated: 2018-06-14. Review status: criteria provided, single submitter. Criteria: GeneDx Variant Classification (06012015). Collection method: clinical testing. Allele origin: germline. Affected: yes.
Comment: This variant is considered likely benign or benign based on one or more of the following criteria: it is a conservative change, it occurs at a poorly conserved position in the protein, it is predicted to be benign by multiple in silico algorithms, and/or has population frequency not consistent with disease.

Breakthrough Genomics
Classification: Benign. Review status: criteria provided, single submitter. Criteria: ACMG Guidelines, 2015. Collection method: not provided. Allele origin: germline. Inheritance: Autosomal dominant inheritance. Affected: yes.